The following is an entry in ClinVar:

NM_005732.4(RAD50):c.2802T>G (p.Asn934Lys)

Gene: RAD50 (RAD50 double strand break repair protein; plus strand). Cytogenetic location: 5q31.1.
Variant type: single nucleotide variant.
Coding change: c.2802T>G on transcript NM_005732.4 (MANE Select); coding-DNA position 2802, T replaced by G.
Protein change: p.Asn934Lys; replaces asparagine 934 with lysine.
Molecular consequence: missense variant.
Genome position (GRCh38, 1-based): chr5:132,608,698, T>G. VCF-style: chr5-132608698-T-G. GRCh37 (hg19) VCF-style: chr5-131944390-T-G.
Other names: short protein forms N934K.
Identifiers: ClinVar variation 640642 (VCV000640642.16), dbSNP rs1340633302, ClinGen allele CA360959092.

ClinVar aggregate classification (germline): Uncertain significance. Review status: criteria provided, multiple submitters, no conflicts (2 of 4 stars). 2 submissions from 2 submitters: Uncertain significance (2). Last evaluated 2025-06-11.

Conditions:
Hereditary cancer-predisposing syndrome. Also called: Neoplastic Syndromes, Hereditary; Tumor predisposition; Hereditary Cancer Syndrome; Hereditary neoplastic syndrome. Identifiers: Orphanet 140162, MedGen C0027672, MeSH D009386, MONDO:0015356.

Allele frequency attached by ClinVar (database versions not stated): TOPMed below 0.00001; gnomAD 0.00001.
gnomAD v4.1: 1 of 1,591,066 alleles (0.000063%); highest among the groups gnomAD compares: African/African-American, 0.0014%; no homozygotes.

Submissions (2):

Ambry Genetics
Classification: Uncertain significance for Hereditary cancer-predisposing syndrome. Last evaluated: 2025-06-11. Review status: criteria provided, single submitter. Criteria: Ambry Variant Classification Scheme 2023. Collection method: clinical testing. Allele origin: germline.

Labcorp Genetics (formerly Invitae), Labcorp
Classification: Uncertain significance for Hereditary cancer-predisposing syndrome. Last evaluated: 2020-03-28. Review status: criteria provided, single submitter. Criteria: Invitae Variant Classification Sherloc (09022015). Collection method: clinical testing. Allele origin: germline.
Comment: This variant is not present in population databases (ExAC no frequency). In summary, the available evidence is currently insufficient to determine the role of this variant in disease. Therefore, it has been classified as a Variant of Uncertain Significance. Algorithms developed to predict the effect of missense changes on protein structure and function (SIFT, PolyPhen-2, Align-GVGD) all suggest that this variant is likely to be tolerated, but these predictions have not been confirmed by published functional studies and their clinical significance is uncertain. This variant has not been reported in the literature in individuals with RAD50-related conditions. ClinVar contains an entry for this variant (Variation ID: 640642). This sequence change replaces asparagine with lysine at codon 934 of the RAD50 protein (p.Asn934Lys). The asparagine residue is weakly conserved and there is a moderate physicochemical difference between asparagine and lysine.